The following is an entry in ClinVar:

ClinVar aggregate classification (germline): Uncertain significance. Review status: criteria provided, multiple submitters, no conflicts (2 of 4 stars). 4 submissions from 4 submitters: Uncertain significance (4). Last evaluated 2023-01-15.

Conditions:
Inborn genetic diseases. Identifiers: MedGen C0950123, MeSH D030342.
3-methylglutaconic aciduria type 1 (MGCA1). Identifiers: Orphanet 67046, MedGen C0342727, MONDO:0009610, OMIM 250950.

Allele frequency attached by ClinVar (database versions not stated): gnomAD exomes 0.00003 and 0.00006; ExAC 0.00007; ESP Exome Variant Server 0.00015; 1000 Genomes Project 30x 0.00016; TOPMed 0.00005; gnomAD 0.00010; 1000 Genomes Project 0.00020.
gnomAD v4.1: 62 of 1,614,102 alleles (0.0038%); highest among the groups gnomAD compares: Middle Eastern, 0.017%; no homozygotes.

Submissions (4):

Labcorp Genetics (formerly Invitae), Labcorp
Classification: Uncertain significance for 3-methylglutaconic aciduria type 1. Last evaluated: 2023-01-15. Review status: criteria provided, single submitter. Criteria: Invitae Variant Classification Sherloc (09022015). Collection method: clinical testing. Allele origin: germline.
Comment: This sequence change replaces alanine, which is neutral and non-polar, with threonine, which is neutral and polar, at codon 227 of the AUH protein (p.Ala227Thr). This variant is present in population databases (rs141700491, gnomAD 0.01%). In summary, the available evidence is currently insufficient to determine the role of this variant in disease. Therefore, it has been classified as a Variant of Uncertain Significance. Advanced modeling of protein sequence and biophysical properties (such as structural, functional, and spatial information, amino acid conservation, physicochemical variation, residue mobility, and thermodynamic stability) performed at Invitae indicates that this missense variant is not expected to disrupt AUH protein function. ClinVar contains an entry for this variant (Variation ID: 976619). This variant has not been reported in the literature in individuals affected with AUH-related conditions.

Ambry Genetics
Classification: Uncertain significance for Inborn genetic diseases. Last evaluated: 2022-03-04. Review status: criteria provided, single submitter. Criteria: Ambry Variant Classification Scheme 2023. Collection method: clinical testing. Allele origin: germline.

Fulgent Genetics
Classification: Uncertain significance for 3-methylglutaconic aciduria type 1. Last evaluated: 2021-12-13. Review status: criteria provided, single submitter. Criteria: ACMG Guidelines, 2015. Collection method: clinical testing. Allele origin: unknown.

Illumina Laboratory Services, Illumina
Classification: Uncertain significance for 3-methylglutaconic aciduria type 1. Last evaluated: 2018-01-13. Review status: criteria provided, single submitter. Criteria: ICSL Variant Classification Criteria 13 December 2019. Collection method: clinical testing. Allele origin: germline.

NM_001698.3(AUH):c.679G>A (p.Ala227Thr)

Gene: AUH (AU RNA binding methylglutaconyl-CoA hydratase; minus strand). Cytogenetic location: 9q22.31.
Variant type: single nucleotide variant.
Coding change: c.679G>A on transcript NM_001698.3 (MANE Select); coding-DNA position 679, G replaced by A.
Protein change: p.Ala227Thr; replaces alanine 227 with threonine.
Molecular consequence: missense variant.
Genome position (GRCh38, 1-based): chr9:91,220,969, C>T on the plus strand (G>A on the coding strand, the complement: AUH is on the minus strand). VCF-style: chr9-91220969-C-T. GRCh37 (hg19) VCF-style: chr9-93983251-C-T.
Other names: c.592G>A, p.Ala198Thr (NM_001306190.2); c.352G>A, p.Ala118Thr (NM_001351431.2, NM_001351432.2, NM_001351433.2); short protein forms A198T, A227T, A118T.
Identifiers: ClinVar variation 976619 (VCV000976619.10), dbSNP rs141700491, ClinGen allele CA5119756.